The following is an entry in ClinVar:

ClinVar aggregate classification (germline): Uncertain significance. Review status: criteria provided, multiple submitters, no conflicts (2 of 4 stars). 3 submissions from 3 submitters: Uncertain significance (3). Last evaluated 2025-06-06.

Conditions:
Inborn genetic diseases. Identifiers: MedGen C0950123, MeSH D030342.

Allele frequency attached by ClinVar (database versions not stated): gnomAD exomes below 0.00001; TOPMed below 0.00001.
gnomAD v4.1: 3 of 1,612,796 alleles (0.00019%); highest among the groups gnomAD compares: Admixed American, 0.005%; no homozygotes.

Submissions (3):

Ambry Genetics
Classification: Uncertain significance for Inborn genetic diseases. Last evaluated: 2025-06-06. Review status: criteria provided, single submitter. Criteria: Ambry Variant Classification Scheme 2023. Collection method: clinical testing. Allele origin: germline.

Greenwood Genetic Center Diagnostic Laboratories, Greenwood Genetic Center
Classification: Uncertain significance. Last evaluated: 2022-10-17. Review status: criteria provided, single submitter. Criteria: ACMG Guidelines, 2015. Collection method: clinical testing. Allele origin: germline. Affected: yes.
Comment: BP4, PP2

Labcorp Genetics (formerly Invitae), Labcorp
Classification: Uncertain significance. Last evaluated: 2022-07-27. Review status: criteria provided, single submitter. Criteria: Invitae Variant Classification Sherloc (09022015). Collection method: clinical testing. Allele origin: germline.
Comment: This variant is present in population databases (no rsID available, gnomAD 0.003%). In summary, the available evidence is currently insufficient to determine the role of this variant in disease. Therefore, it has been classified as a Variant of Uncertain Significance. Algorithms developed to predict the effect of missense changes on protein structure and function output the following: SIFT: "Tolerated"; PolyPhen-2: "Benign"; Align-GVGD: "Class C0". The arginine amino acid residue is found in multiple mammalian species, which suggests that this missense change does not adversely affect protein function. This variant has not been reported in the literature in individuals affected with TAOK1-related conditions. This sequence change replaces lysine, which is basic and polar, with arginine, which is basic and polar, at codon 78 of the TAOK1 protein (p.Lys78Arg).

NM_020791.4(TAOK1):c.233A>G (p.Lys78Arg)

Gene: TAOK1 (TAO kinase 1; plus strand). Cytogenetic location: 17q11.2.
Variant type: single nucleotide variant.
Coding change: c.233A>G on transcript NM_020791.4 (MANE Select); coding-DNA position 233, A replaced by G.
Protein change: p.Lys78Arg; replaces lysine 78 with arginine.
Molecular consequence: missense variant.
Genome position (GRCh38, 1-based): chr17:29,475,698, A>G. VCF-style: chr17-29475698-A-G. GRCh37 (hg19) VCF-style: chr17-27802716-A-G.
Other names: c.233A>G, p.Lys78Arg (NM_025142.1); c.233A>G (NM_020791.2); short protein forms K78R.
Identifiers: ClinVar variation 1984249 (VCV001984249.9), dbSNP rs1200088142, ClinGen allele CA399188312.